The following is an entry in ClinVar:

ClinVar aggregate classification (germline): Pathogenic (1 of 4 stars; one submission).

Conditions:
Congenital myotonia, autosomal dominant form (THD). Also called: THOMSEN DISEASE; Myotonia congenita autosomal dominant. Identifiers: Orphanet 614, MedGen C2936781, MONDO:0008055, OMIM 160800.
Congenital myotonia, autosomal recessive form. Also called: BECKER DISEASE; Becker Generalized Myotonia; myotonia congenita, autosomal recessive. Identifiers: Orphanet 614, MedGen C0751360, MONDO:0009715, OMIM 255700.

Submission:

Labcorp Genetics (formerly Invitae), Labcorp
Classification: Pathogenic for Congenital myotonia, autosomal recessive form; Congenital myotonia, autosomal dominant form. Last evaluated: 2023-11-04. Review status: criteria provided, single submitter. Criteria: Invitae Variant Classification Sherloc (09022015). Collection method: clinical testing. Allele origin: germline.
Comment: This sequence change creates a premature translational stop signal (p.Leu660Serfs*134) in the CLCN1 gene. It is expected to result in an absent or disrupted protein product. Loss-of-function variants in CLCN1 are known to be pathogenic (PMID: 17932099, 22094069, 23739125). This variant is not present in population databases (gnomAD no frequency). This variant has not been reported in the literature in individuals affected with CLCN1-related conditions. For these reasons, this variant has been classified as Pathogenic.

Literature cited by the submitters: PubMed 17932099; PubMed 22094069; PubMed 23739125.

NM_000083.3(CLCN1):c.1978del (p.Leu660fs)

Genes: CLCN1 (chloride voltage-gated channel 1; plus strand), LOC123956257 (Sharpr-MPRA regulatory region 4117; plus strand). Cytogenetic location: 7q34.
Variant type: Deletion.
Coding change: c.1978del on transcript NM_000083.3 (MANE Select); coding-DNA position 1978, one base deleted (C; older notation c.1978delC).
Protein change: p.Leu660fs; shifts the reading frame from leucine 660.
Molecular consequence: frameshift variant. On other transcripts: non-coding transcript variant (1).
Genome position (GRCh38, 1-based): chr7:143,345,568, C deleted; the last of 3 consecutive C bases (chr7:143,345,566-143,345,568); deleting any one gives the same sequence. VCF-style (leftmost placement, unchanged base first): chr7-143345565-GC-G. GRCh37 (hg19) VCF-style: chr7-143042658-GC-G.
Other names: short protein forms L660fs.
Identifiers: ClinVar variation 2953551 (VCV002953551.3), dbSNP rs2485434682, ClinGen allele CA2740094926.